The following is an entry in ClinVar:

GRCh37/hg19 1q43(chr1:240470722-243198779)x1

Genes: CHML (CHM like Rab escort protein; minus strand), EXO1 (exonuclease 1; plus strand), FH (fumarate hydratase; minus strand), FMN2 (formin 2; plus strand), GREM2 (gremlin 2, DAN family BMP antagonist; minus strand) and 6 more. Cytogenetic location: 1q43.
Variant type: copy number loss.
Change: copy number 1 (one copy instead of two) of chr1:240,470,722-243,198,779 (2.73 Mb, GRCh37 coordinates, 1-based), cytogenetic band 1q43.
Identifiers: ClinVar variation 4850967 (VCV004850967.1).

ClinVar aggregate classification (germline): Pathogenic (1 of 4 stars; one submission).

Conditions:
Intellectual developmental disorder, autosomal dominant 22. Also called: Intellectual disability, autosomal dominant 22. Identifiers: MedGen CN029689, MONDO:0012869, OMIM 612337.

Submission:

Laboratory of Cytogenetics, Molecular Genetics and Reproductive Biology, Farhat Hached University Hospital
Classification: Pathogenic for Intellectual developmental disorder, autosomal dominant 22. Last evaluated: 2025-12-12. Review status: criteria provided, single submitter. Criteria: ACMG/ClinGen CNV Guidelines, 2019. Collection method: clinical testing. Allele origin: de novo. Inheritance: Autosomal dominant inheritance. Affected: yes.
Comment: Similar genomic alterations have been previously reported in affected individuals . Based on phenotypic overlap and available literature evidence, the variant was classified as Pathogenic. PMID: 26648835. The copy number variant was evaluated using ACMG/ClinGen CNV guidelines (PMID:31690835)

Literature cited by the submitters: PubMed 26648835.